The following is an entry in ClinVar:

NM_001458.5(FLNC):c.700-5C>T

Gene: FLNC (filamin C; plus strand). Cytogenetic location: 7q32.1.
Variant type: single nucleotide variant.
Coding change: c.700-5C>T on transcript NM_001458.5 (MANE Select); 5 bases into the intron before coding-DNA position 700, C replaced by T.
Molecular consequence: intron variant.
Genome position (GRCh38, 1-based): chr7:128,837,393, C>T. VCF-style: chr7-128837393-C-T. GRCh37 (hg19) VCF-style: chr7-128477447-C-T.
Other names: c.700-5C>T (NM_001127487.2).
Identifiers: ClinVar variation 680424 (VCV000680424.14), dbSNP rs745442558, ClinGen allele CA4474110.

ClinVar aggregate classification (germline): Conflicting classifications of pathogenicity. Review status: criteria provided, conflicting classifications (1 of 4 stars). 4 submissions from 4 submitters: Uncertain significance (1); Likely benign (2). 1 of the submissions does not count toward it. Last evaluated 2025-09-05.

Conditions:
Cardiovascular phenotype. Identifiers: MedGen CN230736.
FLNC-related disorder. Also called: FLNC-related disorders; FLNC-related condition.
Myofibrillar myopathy 5. Also called: Filaminopathy (type); FILAMINOPATHY, AUTOSOMAL DOMINANT. Identifiers: Orphanet 171445, MedGen C1836050, MONDO:0012289, OMIM 609524.
Hypertrophic cardiomyopathy 26. Also called: Cardiomyopathy, familial hypertrophic, 26. Identifiers: Orphanet 75249, MedGen C4310749, MONDO:0014883, OMIM 617047.
Distal myopathy with posterior leg and anterior hand involvement. Also called: WILLIAMS DISTAL MYOPATHY. Identifiers: Orphanet 63273, MedGen C3279722, MONDO:0013550, OMIM 614065.

Allele frequency attached by ClinVar (database versions not stated): gnomAD 0.00001; gnomAD exomes 0.00001 and 0.00002; TOPMed 0.00001; ExAC 0.00002.

Submissions (4):

Ambry Genetics
Classification: Uncertain significance for Cardiovascular phenotype. Last evaluated: 2025-09-05. Review status: criteria provided, single submitter. Criteria: Ambry Variant Classification Scheme 2023. Collection method: clinical testing. Allele origin: germline.
Comment: The c.700-5C>T intronic variant results from a C to T substitution 5 nucleotides upstream from coding exon 4 in the FLNC gene. This nucleotide position is poorly conserved in available vertebrate species. In silico splice site analysis predicts that this alteration will not have any significant effect on splicing. Based on the available evidence, the clinical significance of this variant remains unclear.

Labcorp Genetics (formerly Invitae), Labcorp
Classification: Likely benign for Distal myopathy with posterior leg and anterior hand involvement; Myofibrillar myopathy 5; Hypertrophic cardiomyopathy 26. Last evaluated: 2025-06-04. Review status: criteria provided, single submitter. Criteria: Invitae Variant Classification Sherloc (09022015). Collection method: clinical testing. Allele origin: germline.

GeneDx
Classification: Likely benign. Last evaluated: 2019-10-28. Review status: criteria provided, single submitter. Criteria: GeneDx Variant Classification Process June 2021. Collection method: clinical testing. Allele origin: germline. Affected: yes.

PreventionGenetics, part of Exact Sciences
Classification: Likely benign for FLNC-related condition. Last evaluated: 2022-04-07. Review status: no assertion criteria provided. Collection method: clinical testing. Allele origin: germline. Not counted in ClinVar's aggregate classification.
Comment: This variant is classified as likely benign based on ACMG/AMP sequence variant interpretation guidelines (Richards et al. 2015 PMID: 25741868, with internal and published modifications).